The following is an entry in ClinVar:

ClinVar aggregate classification (germline): Uncertain significance (1 of 4 stars; one submission).

Submission:

GeneDx
Classification: Uncertain significance. Last evaluated: 2024-01-03. Review status: criteria provided, single submitter. Criteria: GeneDx Variant Classification Process June 2021. Collection method: clinical testing. Allele origin: germline. Affected: yes.
Comment: Not observed at significant frequency in large population cohorts (gnomAD); In silico analysis supports that this missense variant has a deleterious effect on protein structure/function; Has not been previously published as pathogenic or benign to our knowledge

NM_001127178.3(PIGG):c.1973C>A (p.Pro658Gln)

Gene: PIGG (phosphatidylinositol glycan anchor biosynthesis class G (EMM blood group); plus strand). Cytogenetic location: 4p16.3.
Variant type: single nucleotide variant.
Coding change: c.1973C>A on transcript NM_001127178.3 (MANE Select); coding-DNA position 1973, C replaced by A.
Protein change: p.Pro658Gln; replaces proline 658 with glutamine.
Molecular consequence: missense variant. On other transcripts: non-coding transcript variant (6).
Genome position (GRCh38, 1-based): chr4:523,817, C>A. VCF-style: chr4-523817-C-A. GRCh37 (hg19) VCF-style: chr4-517606-C-A.
Other names: c.1706C>A, p.Pro569Gln (NM_001289051.2, NM_001345986.2); c.1574C>A, p.Pro525Gln (NM_001289052.2); c.1682C>A, p.Pro561Gln (NM_001345987.2); c.944C>A, p.Pro315Gln (NM_001345988.2); c.440C>A, p.Pro147Gln (NM_001345990.2, NM_001345991.2); c.875C>A, p.Pro292Gln (NM_001345994.2); c.1949C>A, p.Pro650Gln (NM_017733.5); short protein forms P147Q, P292Q, P315Q, P525Q, P561Q, P569Q, P650Q, P658Q.
Identifiers: ClinVar variation 3370194 (VCV003370194.1).